The following is an entry in ClinVar:

ClinVar aggregate classification (germline): Uncertain significance. Review status: criteria provided, multiple submitters, no conflicts (2 of 4 stars). 2 submissions from 2 submitters: Uncertain significance (2). Last evaluated 2020-06-12.

Conditions:
Fanconi anemia complementation group J. Also called: BRIP1-Related Fanconi Anemia. Identifiers: Orphanet 84, MedGen C1836860, MONDO:0012187, OMIM 609054.
Hereditary cancer-predisposing syndrome. Also called: Neoplastic Syndromes, Hereditary; Hereditary Cancer Syndrome; Tumor predisposition; Hereditary neoplastic syndrome. Identifiers: Orphanet 140162, MedGen C0027672, MeSH D009386, MONDO:0015356.

Submissions (2):

Ambry Genetics
Classification: Uncertain significance for Hereditary cancer-predisposing syndrome. Last evaluated: 2020-06-12. Review status: criteria provided, single submitter. Criteria: Ambry Variant Classification Scheme 2023. Collection method: clinical testing. Allele origin: germline.
Comment: The c.2379+5G>C intronic variant results from a G to C substitution 5 nucleotides after coding exon 15 in the BRIP1 gene. This nucleotide position is well conserved in available vertebrate species. In silico splice site analysis predicts that this alteration will weaken the native splice donor site. RNA studies have demonstrated that this alteration results in an incomplete splice defect; the clinical impact of this abnormal splicing is unknown at this time (Ambry internal data). Since supporting evidence is limited at this time, the clinical significance of this alteration remains unclear.

Mendelics
Classification: Uncertain significance for Fanconi anemia, complementation group J. Last evaluated: 2018-07-02. Review status: criteria provided, single submitter. Criteria: Mendelics Assertion Criteria 2017. Collection method: clinical testing. Allele origin: unknown.

NM_032043.3(BRIP1):c.2379+5G>C

Gene: BRIP1 (BRCA1 interacting DNA helicase 1; minus strand). Cytogenetic location: 17q23.2.
Variant type: single nucleotide variant.
Coding change: c.2379+5G>C on transcript NM_032043.3 (MANE Select); 5 bases into the intron after coding-DNA position 2379, G replaced by C.
Molecular consequence: intron variant.
Genome position (GRCh38, 1-based): chr17:61,743,008, C>G on the plus strand (G>C on the coding strand, the complement: BRIP1 is on the minus strand). VCF-style: chr17-61743008-C-G. GRCh37 (hg19) VCF-style: chr17-59820369-C-G.
Identifiers: ClinVar variation 584966 (VCV000584966.4), dbSNP rs1567779316, ClinGen allele CA891844126.